The following is an entry in ClinVar:

ClinVar aggregate classification (germline): Uncertain significance (1 of 4 stars; one submission).

gnomAD v4.1: 2 of 1,551,970 alleles (0.00013%); highest among the groups gnomAD compares: Admixed American, 0.0019%; no homozygotes.

Submission:

Labcorp Genetics (formerly Invitae), Labcorp
Classification: Uncertain significance. Last evaluated: 2024-08-04. Review status: criteria provided, single submitter. Criteria: Invitae Variant Classification Sherloc (09022015). Collection method: clinical testing. Allele origin: germline.
Comment: This sequence change replaces histidine, which is basic and polar, with arginine, which is basic and polar, at codon 481 of the ACAN protein (p.His481Arg). This variant is not present in population databases (gnomAD no frequency). This variant has not been reported in the literature in individuals affected with ACAN-related conditions. Advanced modeling of protein sequence and biophysical properties (such as structural, functional, and spatial information, amino acid conservation, physicochemical variation, residue mobility, and thermodynamic stability) performed at Invitae indicates that this missense variant is not expected to disrupt ACAN protein function with a negative predictive value of 80%. In summary, the available evidence is currently insufficient to determine the role of this variant in disease. Therefore, it has been classified as a Variant of Uncertain Significance.

NM_001369268.1(ACAN):c.1442A>G (p.His481Arg)

Gene: ACAN (aggrecan; plus strand). Cytogenetic location: 15q26.1.
Variant type: single nucleotide variant.
Coding change: c.1442A>G on transcript NM_001369268.1 (MANE Select); coding-DNA position 1442, A replaced by G.
Protein change: p.His481Arg; replaces histidine 481 with arginine.
Molecular consequence: missense variant.
Genome position (GRCh38, 1-based): chr15:88,847,255, A>G. VCF-style: chr15-88847255-A-G. GRCh37 (hg19) VCF-style: chr15-89390486-A-G.
Other names: c.1442A>G, p.His481Arg (NM_001135.4, NM_001411096.1, NM_001411097.1 and 1 more transcripts); short protein forms H481R.
Identifiers: ClinVar variation 3690433 (VCV003690433.2).
Genomic context (GRCh38, chr15:88,847,255, plus strand): 5'-TGCACACCGTGGGTCCCTGAACCTGACCGCTCCCTCCTCCCCACCCAGGGGTCGTCTTCC[A>G]CTACCGCCCGGGACCCACCCGCTACTCGCTGACCTTTGAGGAGGCACAGCAGGCCTGCCT-3'
Protein context (NP_001356197.1, residues 471-491): QPHLPGGVVF[His481Arg]YRPGPTRYSL